The following is an entry in ClinVar:

NM_000038.6(APC):c.5573G>A (p.Arg1858Gln)

Gene: APC (APC regulator of Wnt signaling pathway; plus strand). Cytogenetic location: 5q22.2.
Variant type: single nucleotide variant.
Coding change: c.5573G>A on transcript NM_000038.6 (MANE Select); coding-DNA position 5573, G replaced by A.
Protein change: p.Arg1858Gln; replaces arginine 1858 with glutamine.
Molecular consequence: missense variant.
Genome position (GRCh38, 1-based): chr5:112,841,167, G>A. VCF-style: chr5-112841167-G-A. GRCh37 (hg19) VCF-style: chr5-112176864-G-A.
Other names: c.5573G>A, p.Arg1858Gln (NM_001127510.3, NM_001354895.2); c.5519G>A, p.Arg1840Gln (NM_001127511.3); c.5627G>A, p.Arg1876Gln (NM_001354896.2); c.5603G>A, p.Arg1868Gln (NM_001354897.2); c.5498G>A, p.Arg1833Gln (NM_001354898.2); c.5489G>A, p.Arg1830Gln (NM_001354899.2); c.5450G>A, p.Arg1817Gln (NM_001354900.2); c.5396G>A, p.Arg1799Gln (NM_001354901.2); and 5 more; short protein forms R1840Q, R1858Q, R1799Q, R1833Q, R1757Q, R1817Q, R1698Q, R1732Q.
Identifiers: ClinVar variation 188291 (VCV000188291.24), dbSNP rs369831474, ClinGen allele CA010510.

ClinVar aggregate classification (germline): Uncertain significance. Review status: criteria provided, multiple submitters, no conflicts (2 of 4 stars). 6 submissions from 6 submitters: Uncertain significance (5). 1 of the submissions does not count toward it. Last evaluated 2026-04-30.

Conditions:
Classic or attenuated familial adenomatous polyposis. Identifiers: MedGen CN372698, MONDO:0021057.
Hereditary cancer-predisposing syndrome. Also called: Tumor predisposition; Hereditary Cancer Syndrome; Hereditary neoplastic syndrome; Neoplastic Syndromes, Hereditary. Identifiers: Orphanet 140162, MedGen C0027672, MeSH D009386, MONDO:0015356.
Familial adenomatous polyposis 1 (FAP1). Also called: POLYPOSIS, ADENOMATOUS INTESTINAL; FAMILIAL ADENOMATOUS POLYPOSIS 1, ATTENUATED. Identifiers: MedGen C2713442, MONDO:0021056, OMIM 175100. Disease mechanism: loss of function.

Allele frequency attached by ClinVar (database versions not stated): gnomAD exomes 0.00001; gnomAD 0.00001; TOPMed 0.00002; ESP Exome Variant Server 0.00008.
gnomAD v4.1: 17 of 1,613,730 alleles (0.0011%); highest among the groups gnomAD compares: Non-Finnish European, 0.0014%; 1 homozygote.

Submissions (6):

Ambry Genetics
Classification: Uncertain significance for Hereditary cancer-predisposing syndrome. Last evaluated: 2026-04-30. Review status: criteria provided, single submitter. Criteria: Ambry Variant Classification Scheme 2023. Collection method: clinical testing. Allele origin: germline.
Comment: The p.R1858Q variant (also known as c.5573G>A), located in coding exon 15 of the APC gene, results from a G to A substitution at nucleotide position 5573. The arginine at codon 1858 is replaced by glutamine, an amino acid with highly similar properties. This amino acid position is highly conserved in available vertebrate species. In addition, in silico predictors for this gene do not accurately predict pathogenicity. Missense variants in APC are not a common cause of disease (Spier I et al. Genet Med. 2024 Feb;26(2):100992). Based on the available evidence, the clinical significance of this variant remains unclear.

Labcorp Genetics (formerly Invitae), Labcorp
Classification: Uncertain significance for Familial adenomatous polyposis 1. Last evaluated: 2025-10-03. Review status: criteria provided, single submitter. Criteria: Invitae Variant Classification Sherloc (09022015). Collection method: clinical testing. Allele origin: germline.
Comment: This sequence change replaces arginine, which is basic and polar, with glutamine, which is neutral and polar, at codon 1858 of the APC protein (p.Arg1858Gln). This variant is not present in population databases (gnomAD no frequency). This variant has not been reported in the literature in individuals affected with APC-related conditions. ClinVar contains an entry for this variant (Variation ID: 188291). Invitae Evidence Modeling of protein sequence and biophysical properties (such as structural, functional, and spatial information, amino acid conservation, physicochemical variation, residue mobility, and thermodynamic stability) indicates that this missense variant is not expected to disrupt APC protein function with a negative predictive value of 95%. In summary, the available evidence is currently insufficient to determine the role of this variant in disease. Therefore, it has been classified as a Variant of Uncertain Significance.

All of Us Research Program, National Institutes of Health
Classification: Uncertain significance for Classic or attenuated familial adenomatous polyposis. Last evaluated: 2024-02-05. Review status: criteria provided, single submitter. Criteria: ACMG Guidelines, 2015. Collection method: clinical testing. Allele origin: germline. Inheritance: Autosomal dominant inheritance. Observed: 3 variant alleles, 3 heterozygotes.
Comment: This missense variant replaces arginine with glutamine at codon 1858 of the APC protein. Computational prediction is inconclusive regarding the impact of this variant on protein structure and function (internally defined REVEL score threshold 0.5 < inconclusive < 0.7, PMID: 27666373). Splice site prediction tools suggest that this variant may not impact RNA splicing. To our knowledge, functional studies have not been performed for this variant. This variant has not been reported in individuals affected with hereditary cancer in the literature. This variant has not been identified in the general population by the Genome Aggregation Database (gnomAD). The available evidence is insufficient to determine the role of this variant in disease conclusively. Therefore, this variant is classified as a Variant of Uncertain Significance.

This study involves interpretation of variants in research participants for the purpose of population health screening. Participant phenotype was not available at the time of variant classification. Additional details can be found in publication PMID: 35346344, PMCID: PMC8962531

Color Diagnostics, LLC DBA Color Health
Classification: Uncertain significance for Hereditary cancer-predisposing syndrome. Last evaluated: 2024-01-29. Review status: criteria provided, single submitter. Criteria: ACMG Guidelines, 2015. Collection method: clinical testing. Allele origin: germline.
Comment: This missense variant replaces arginine with glutamine at codon 1858 of the APC protein. Computational prediction is inconclusive regarding the impact of this variant on protein structure and function (internally defined REVEL score threshold 0.5 < inconclusive < 0.7, PMID: 27666373). To our knowledge, functional studies have not been reported for this variant. This variant has not been reported in individuals affected with APC-related disorders in the literature. This variant has not been identified in the general population by the Genome Aggregation Database (gnomAD). The available evidence is insufficient to determine the role of this variant in disease conclusively. Therefore, this variant is classified as a Variant of Uncertain Significance.

Baylor Genetics
Classification: Uncertain significance for Familial adenomatous polyposis 1. Last evaluated: 2023-08-30. Review status: criteria provided, single submitter. Criteria: ACMG Guidelines, 2015. Collection method: clinical testing. Allele origin: unknown.

Department of Pathology and Laboratory Medicine, Sinai Health System
Classification: Uncertain significance. Review status: no assertion criteria provided. Collection method: clinical testing. Allele origin: unknown. Affected: yes. Study: The Canadian Open Genetics Repository (COGR). Not counted in ClinVar's aggregate classification.
Comment: The APC p.Arg1858Gln variant was not identified in the literature nor was it identified in the COGR, MutDB, LOVD 3.0, UMD-LSDB, Zhejiang University, the Exome Aggregation Consortium (August 8th 2016) or the Genome Aggregation Database (Feb 27, 2017). The variant was identified in dbSNP (ID: rs369831474) as "With Uncertain significance allele", ClinVar (classified as uncertain significance by Invitae and Ambry Genetics), and Cosmic (1x in small intestine). The p.Arg1858 residue is conserved in mammals and computational analyses (PolyPhen-2, SIFT, AlignGVGD, BLOSUM, MutationTaster) provide inconsistent predictions regarding the impact to the protein; this information is not very predictive of pathogenicity. The variant occurs outside of the splicing consensus sequence and in silico or computational prediction software programs (SpliceSiteFinder, MaxEntScan, NNSPLICE, GeneSplicer, HumanSpliceFinder) do not predict a difference in splicing. In summary, based on the above information, the clinical significance of this variant cannot be determined with certainty at this time. This variant is classified as a variant of uncertain significance.